The following is an entry in ClinVar:

ClinVar aggregate classification (germline): Uncertain significance. Review status: criteria provided, multiple submitters, no conflicts (2 of 4 stars). 2 submissions from 2 submitters: Uncertain significance (2). Last evaluated 2019-07-18.

Conditions:
Hereditary cancer-predisposing syndrome. Also called: Tumor predisposition; Hereditary neoplastic syndrome; Hereditary Cancer Syndrome; Neoplastic Syndromes, Hereditary. Identifiers: Orphanet 140162, MedGen C0027672, MeSH D009386, MONDO:0015356.
Familial adenomatous polyposis 1 (FAP1). Also called: FAMILIAL ADENOMATOUS POLYPOSIS 1, ATTENUATED; POLYPOSIS, ADENOMATOUS INTESTINAL. Identifiers: MedGen C2713442, MONDO:0021056, OMIM 175100. Disease mechanism: loss of function.

gnomAD v4.1: 1 of 1,614,156 alleles (0.000062%); no homozygotes.

Submissions (2):

Labcorp Genetics (formerly Invitae), Labcorp
Classification: Uncertain significance for Familial adenomatous polyposis 1. Last evaluated: 2019-07-18. Review status: criteria provided, single submitter. Criteria: Invitae Variant Classification Sherloc (09022015). Collection method: clinical testing. Allele origin: germline.
Comment: This sequence change replaces alanine with threonine at codon 1351 of the APC protein (p.Ala1351Thr). The alanine residue is highly conserved and there is a small physicochemical difference between alanine and threonine. This variant is not present in population databases (ExAC no frequency). This variant has not been reported in the literature in individuals with APC-related disease. Algorithms developed to predict the effect of missense changes on protein structure and function output the following: SIFT: "Tolerated"; PolyPhen-2: "Benign"; Align-GVGD: "Class C0". The threonine amino acid residue is found in multiple mammalian species, suggesting that this missense change does not adversely affect protein function. These predictions have not been confirmed by published functional studies and their clinical significance is uncertain. In summary, the available evidence is currently insufficient to determine the role of this variant in disease. Therefore, it has been classified as a Variant of Uncertain Significance.

Ambry Genetics
Classification: Uncertain significance for Hereditary cancer-predisposing syndrome. Last evaluated: 2019-07-15. Review status: criteria provided, single submitter. Criteria: Ambry Variant Classification Scheme 2023. Collection method: clinical testing. Allele origin: germline.
Comment: The p.A1351T variant (also known as c.4051G>A), located in coding exon 15 of the APC gene, results from a G to A substitution at nucleotide position 4051. The alanine at codon 1351 is replaced by threonine, an amino acid with similar properties. This amino acid position is well conserved in available vertebrate species. In addition, in silico predictors for this gene do not accurately predict pathogenicity. Since supporting evidence is limited at this time, the clinical significance of this alteration remains unclear.

NM_000038.6(APC):c.4051G>A (p.Ala1351Thr)

Gene: APC (APC regulator of Wnt signaling pathway; plus strand). Cytogenetic location: 5q22.2.
Variant type: single nucleotide variant.
Coding change: c.4051G>A on transcript NM_000038.6 (MANE Select); coding-DNA position 4051, G replaced by A.
Protein change: p.Ala1351Thr; replaces alanine 1351 with threonine.
Molecular consequence: missense variant.
Genome position (GRCh38, 1-based): chr5:112,839,645, G>A. VCF-style: chr5-112839645-G-A. GRCh37 (hg19) VCF-style: chr5-112175342-G-A.
Other names: c.3874G>A, p.Ala1292Thr (NM_001354901.2); c.3778G>A, p.Ala1260Thr (NM_001354902.2); c.3748G>A, p.Ala1250Thr (NM_001354903.2); c.3673G>A, p.Ala1225Thr (NM_001354904.2); c.3571G>A, p.Ala1191Thr (NM_001354905.2); c.3202G>A, p.Ala1068Thr (NM_001354906.2); c.4051G>A, p.Ala1351Thr (NM_001127510.3, NM_001354895.2); c.3997G>A, p.Ala1333Thr (NM_001127511.3); and 5 more; short protein forms A1068T, A1369T, A1250T, A1260T, A1292T, A1310T, A1323T, A1326T.
Identifiers: ClinVar variation 963149 (VCV000963149.13), dbSNP rs1765589908, ClinGen allele CA16030209.